The following is an entry in ClinVar:

ClinVar aggregate classification (germline): Uncertain significance (1 of 4 stars; one submission).

Submission:

Labcorp Genetics (formerly Invitae), Labcorp
Classification: Uncertain significance. Last evaluated: 2025-09-23. Review status: criteria provided, single submitter. Criteria: Invitae Variant Classification Sherloc (09022015). Collection method: clinical testing. Allele origin: germline.
Comment: This sequence change replaces proline, which is neutral and non-polar, with histidine, which is basic and polar, at codon 1683 of the KMT2E protein (p.Pro1683His). This variant is not present in population databases (gnomAD no frequency). This variant has not been reported in the literature in individuals affected with KMT2E-related conditions. An algorithm developed to predict the effect of missense changes on protein structure and function (PolyPhen-2) suggests that this variant is likely to be disruptive. In summary, the available evidence is currently insufficient to determine the role of this variant in disease. Therefore, it has been classified as a Variant of Uncertain Significance.

NM_182931.3(KMT2E):c.5048C>A (p.Pro1683His)

Gene: KMT2E (lysine methyltransferase 2E (inactive); plus strand). Cytogenetic location: 7q22.3.
Variant type: single nucleotide variant.
Coding change: c.5048C>A on transcript NM_182931.3 (MANE Select); coding-DNA position 5048, C replaced by A.
Protein change: p.Pro1683His; replaces proline 1683 with histidine.
Molecular consequence: missense variant.
Genome position (GRCh38, 1-based): chr7:105,112,804, C>A. VCF-style: chr7-105112804-C-A. GRCh37 (hg19) VCF-style: chr7-104753251-C-A.
Other names: c.4922C>A, p.Pro1641His (NM_001410908.1); c.5048C>A, p.Pro1683His (NM_018682.4); short protein forms P1641H, P1683H.
Identifiers: ClinVar variation 4765266 (VCV004765266.1).